The following is an entry in ClinVar:

NM_005120.3(MED12):c.2542-4T>G

Gene: MED12 (mediator complex subunit 12; plus strand). Cytogenetic location: Xq13.1.
Variant type: single nucleotide variant.
Coding change: c.2542-4T>G on transcript NM_005120.3 (MANE Select); 4 bases into the intron before coding-DNA position 2542, T replaced by G.
Molecular consequence: intron variant.
Genome position (GRCh38, 1-based): chrX:71,126,337, T>G. VCF-style: chrX-71126337-T-G. GRCh37 (hg19) VCF-style: chrX-70346187-T-G.
Other names: c.2542-4T>G (NM_005120.2).
Identifiers: ClinVar variation 1390074 (VCV001390074.10), dbSNP rs2147796325, ClinGen allele CA2573159614.

ClinVar aggregate classification (germline): Uncertain significance. Review status: criteria provided, multiple submitters, no conflicts (2 of 4 stars). 3 submissions from 3 submitters: Uncertain significance (3). Last evaluated 2025-09-05.

Conditions:
FG syndrome (FGS). Identifiers: MedGen C0220769, MONDO:0002010.
MED12-Related Disorders. Also called: MED12-related disorder; MED12-related condition. Identifiers: MedGen CN381102.

Submissions (3):

Labcorp Genetics (formerly Invitae), Labcorp
Classification: Uncertain significance for FG syndrome. Last evaluated: 2025-09-05. Review status: criteria provided, single submitter. Criteria: Invitae Variant Classification Sherloc (09022015). Collection method: clinical testing. Allele origin: germline.
Comment: This sequence change falls in intron 18 of the MED12 gene. It does not directly change the encoded amino acid sequence of the MED12 protein. This variant is not present in population databases (gnomAD no frequency). This variant has not been reported in the literature in individuals affected with MED12-related conditions. ClinVar contains an entry for this variant (Variation ID: 1390074). Algorithms developed to predict the effect of sequence changes on RNA splicing suggest that this variant may create or strengthen a splice site. In summary, the available evidence is currently insufficient to determine the role of this variant in disease. Therefore, it has been classified as a Variant of Uncertain Significance.

PreventionGenetics, part of Exact Sciences
Classification: Uncertain significance for MED12-related condition. Last evaluated: 2025-06-05. Review status: criteria provided, single submitter. Criteria: ACMG Guidelines, 2015. Collection method: clinical testing. Allele origin: germline.
Comment: The MED12 c.2542-4T>G variant is predicted to interfere with splicing. To our knowledge, this variant has not been reported in the literature or in a large population database (gnomAD), indicating this variant is rare. At this time, the clinical significance of this variant is uncertain due to the absence of conclusive functional and genetic evidence.

GeneDx
Classification: Uncertain significance. Last evaluated: 2024-12-10. Review status: criteria provided, single submitter. Criteria: GeneDx Variant Classification Process June 2021. Collection method: clinical testing. Allele origin: germline. Affected: yes.
Comment: Not observed at significant frequency in large population cohorts (gnomAD); In silico analysis supports a deleterious effect on splicing; Has not been previously published as pathogenic or benign to our knowledge